The following is an entry in ClinVar:

ClinVar aggregate classification (germline): Pathogenic (1 of 4 stars; one submission).

Submission:

Labcorp Genetics (formerly Invitae), Labcorp
Classification: Pathogenic. Last evaluated: 2024-12-16. Review status: criteria provided, single submitter. Criteria: Invitae Variant Classification Sherloc (09022015). Collection method: clinical testing. Allele origin: germline.
Comment: This sequence change creates a premature translational stop signal (p.Tyr603*) in the ABCA4 gene. It is expected to result in an absent or disrupted protein product. Loss-of-function variants in ABCA4 are known to be pathogenic (PMID: 10958761, 24938718, 25312043, 26780318). This variant is not present in population databases (gnomAD no frequency). This variant has not been reported in the literature in individuals affected with ABCA4-related conditions. ClinVar contains an entry for this variant (Variation ID: 2771453). Algorithms developed to predict the effect of sequence changes on RNA splicing suggest that this variant may create or strengthen a splice site. For these reasons, this variant has been classified as Pathogenic.

Literature cited by the submitters: PubMed 10958761; PubMed 24938718; PubMed 25312043; PubMed 26780318.

NM_000350.3(ABCA4):c.1809del (p.Arg602_Tyr603insTer)

Gene: ABCA4 (ATP binding cassette subfamily A member 4; minus strand). Cytogenetic location: 1p22.1.
Variant type: Deletion.
Coding change: c.1809del on transcript NM_000350.3 (MANE Select); coding-DNA position 1809, one base deleted (C; older notation c.1809delC).
Protein change: p.Arg602_Tyr603insTer.
Molecular consequence: nonsense. On other transcripts: frameshift variant (1).
Genome position (GRCh38, 1-based): chr1:94,062,705, G deleted on the plus strand (C on the coding strand, the reverse complement: ABCA4 is on the minus strand). VCF-style (leftmost placement, unchanged base first): chr1-94062704-TG-T. GRCh37 (hg19) VCF-style: chr1-94528260-TG-T.
Other names: c.1809delC, p.Tyr603Terfs (NM_001425324.1).
Identifiers: ClinVar variation 2771453 (VCV002771453.3), dbSNP rs2523841751, ClinGen allele CA2697552526.